The following is an entry in ClinVar:

ClinVar aggregate classification (germline): Likely pathogenic. Review status: criteria provided, multiple submitters, no conflicts (2 of 4 stars). 3 submissions from 3 submitters: Likely pathogenic (3). Last evaluated 2026-09-21.

Conditions:
Neuroblastoma, susceptibility to, 2. Identifiers: Orphanet 635, MedGen C2751682, MONDO:0700041, OMIM 613013.
PHOX2B-related disorder. Also called: PHOX2B-related condition.
Haddad syndrome (OHD). Also called: Ondine-Hirschsprung disease. Identifiers: Orphanet 99803, MedGen C1859049, MONDO:0020493.

Submissions (3):

PreventionGenetics, part of Exact Sciences
Classification: Likely pathogenic for PHOX2B-related condition. Last evaluated: 2026-09-21. Review status: criteria provided, single submitter. Criteria: ACMG Guidelines, 2015. Collection method: clinical testing. Allele origin: germline.
Comment: The PHOX2B c.241+1G>A variant is predicted to disrupt the GT donor site and interfere with normal splicing. To our knowledge this variant has not been reported in the literature. However, variants that disrupt canonical splice donor sites in PHOX2B are expected to be pathogenic (Table 3, Zhou. 2021. PubMed ID: 33958749). This variant has not been reported in a large population database (gnomAD), indicating this variant is rare. This variant is interpreted as likely pathogenic.

Baylor Genetics
Classification: Likely pathogenic for Neuroblastoma, susceptibility to, 2. Last evaluated: 2023-04-03. Review status: criteria provided, single submitter. Criteria: ACMG Guidelines, 2015. Collection method: clinical testing. Allele origin: unknown.

Labcorp Genetics (formerly Invitae), Labcorp
Classification: Likely pathogenic for Haddad syndrome. Last evaluated: 2021-07-07. Review status: criteria provided, single submitter. Criteria: Invitae Variant Classification Sherloc (09022015). Collection method: clinical testing. Allele origin: germline.
Comment: In summary, the currently available evidence indicates that the variant is pathogenic, but additional data are needed to prove that conclusively. Therefore, this variant has been classified as Likely Pathogenic. Algorithms developed to predict the effect of sequence changes on RNA splicing suggest that this variant may disrupt the consensus splice site. This variant has not been reported in the literature in individuals affected with PHOX2B-related conditions. This variant is not present in population databases (ExAC no frequency). This sequence change affects a donor splice site in intron 1 of the PHOX2B gene. It is expected to disrupt RNA splicing. Variants that disrupt the donor or acceptor splice site typically lead to a loss of protein function (PMID: 16199547), and loss-of-function variants in PHOX2B are known to be pathogenic (PMID: 25156769).

Literature cited by the submitters: PubMed 16199547 (cited by Labcorp Genetics (formerly Invitae), Labcorp); PubMed 25156769 (cited by Labcorp Genetics (formerly Invitae), Labcorp).

NM_003924.4(PHOX2B):c.241+1G>A

Genes: PHOX2B (paired like homeobox 2B; minus strand), PHOX2B-AS1 (PHOX2B antisense RNA 1; plus strand). Cytogenetic location: 4p13.
Variant type: single nucleotide variant.
Coding change: c.241+1G>A on transcript NM_003924.4 (MANE Select); the canonical splice donor site of the intron after coding-DNA position 241, G replaced by A.
Molecular consequence: splice donor variant.
Genome position (GRCh38, 1-based): chr4:41,748,369, C>T on the plus strand (G>A on the coding strand, the complement: PHOX2B is on the minus strand). VCF-style: chr4-41748369-C-T. GRCh37 (hg19) VCF-style: chr4-41750386-C-T.
Other names: c.241+1G>A (NM_003924.3).
Identifiers: ClinVar variation 1515387 (VCV001515387.10), dbSNP rs2153113036, ClinGen allele CA356740736.